The following is an entry in ClinVar:

ClinVar aggregate classification (germline): Uncertain significance (1 of 4 stars; one submission).

Conditions:
DK1-congenital disorder of glycosylation. Also called: CDG Im; DK1 DEFICIENCY; DOLICHOL KINASE DEFICIENCY; DOLK-congenital disorder of glycosylation; Carbohydrate deficient glycoprotein syndrome type 1m; CONGENITAL DISORDER OF GLYCOSYLATION, TYPE Im. Identifiers: Orphanet 91131, MedGen C1835849, MONDO:0012556, OMIM 610768.

Submission:

Labcorp Genetics (formerly Invitae), Labcorp
Classification: Uncertain significance for DK1-congenital disorder of glycosylation. Last evaluated: 2022-05-08. Review status: criteria provided, single submitter. Criteria: Invitae Variant Classification Sherloc (09022015). Collection method: clinical testing. Allele origin: germline.
Comment: In summary, the available evidence is currently insufficient to determine the role of this variant in disease. Therefore, it has been classified as a Variant of Uncertain Significance. Algorithms developed to predict the effect of missense changes on protein structure and function are either unavailable or do not agree on the potential impact of this missense change (SIFT: "Deleterious"; PolyPhen-2: "Probably Damaging"; Align-GVGD: "Class C0"). This variant has not been reported in the literature in individuals affected with DOLK-related conditions. This variant is not present in population databases (gnomAD no frequency). This sequence change replaces glutamic acid, which is acidic and polar, with glycine, which is neutral and non-polar, at codon 398 of the DOLK protein (p.Glu398Gly).

NM_014908.4(DOLK):c.1193A>G (p.Glu398Gly)

Gene: DOLK (dolichol kinase; minus strand). Cytogenetic location: 9q34.11.
Variant type: single nucleotide variant.
Coding change: c.1193A>G on transcript NM_014908.4 (MANE Select); coding-DNA position 1193, A replaced by G.
Protein change: p.Glu398Gly; replaces glutamic acid 398 with glycine.
Molecular consequence: missense variant.
Genome position (GRCh38, 1-based): chr9:128,946,111, T>C on the plus strand (A>G on the coding strand, the complement: DOLK is on the minus strand). VCF-style: chr9-128946111-T-C. GRCh37 (hg19) VCF-style: chr9-131708390-T-C.
Other names: short protein forms E398G.
Identifiers: ClinVar variation 2135340 (VCV002135340.4), dbSNP rs2492003356, ClinGen allele CA375119355.
Genomic context (GRCh38, chr9:128,946,111, plus strand): 5'-GGAAGAGACATGCCCAGGAGCAGGTAGATGTGTGTCAGAATGAGTGGTCCACTGTCTCGT[T>C]CATCCAGAAAAAGGGACAGGAAGCTCCGTAGAGTGTGACCCAAAGGCTTGATGCGGAAGT-3'
Protein context (NP_055723.1, residues 388-408): LRSFLSLFLD[Glu398Gly]RDSGPLILTH